The following is an entry in ClinVar:

ClinVar aggregate classification (germline): Likely benign (0 of 4 stars; one submission).

Conditions:
NRP1-related disorder. Also called: NRP1-related condition.

gnomAD v4.1: 1 of 1,574,308 alleles (0.000064%); no homozygotes.

Submission:

PreventionGenetics, part of Exact Sciences
Classification: Likely benign for NRP1-related condition. Last evaluated: 2024-04-30. Review status: no assertion criteria provided. Collection method: clinical testing. Allele origin: germline.
Comment: This variant is classified as likely benign based on ACMG/AMP sequence variant interpretation guidelines (Richards et al. 2015 PMID: 25741868, with internal and published modifications).

NM_003873.7(NRP1):c.1865-8T>A

Gene: NRP1 (neuropilin 1; minus strand). Cytogenetic location: 10p11.22.
Variant type: single nucleotide variant.
Coding change: c.1865-8T>A on transcript NM_003873.7 (MANE Select); 8 bases into the intron before coding-DNA position 1865, T replaced by A.
Molecular consequence: intron variant.
Genome position (GRCh38, 1-based): chr10:33,197,717, A>T on the plus strand (T>A on the coding strand, the complement: NRP1 is on the minus strand). VCF-style: chr10-33197717-A-T. GRCh37 (hg19) VCF-style: chr10-33486645-A-T.
Other names: c.1844-8T>A (NM_001244973.2, NM_001244972.2); c.1865-8T>A (NM_001330068.2, NM_001024628.3); c.1760-8T>A (NM_001024629.3).
Identifiers: ClinVar variation 3347176 (VCV003347176.1).